The following is an entry in ClinVar:

ClinVar aggregate classification (germline): Uncertain significance (1 of 4 stars; one submission).

Allele frequency attached by ClinVar (database versions not stated): gnomAD exomes below 0.00001.
gnomAD v4.1: 1 of 1,550,884 alleles (0.000064%); highest among the groups gnomAD compares: Non-Finnish European, 0.000087%; no homozygotes.

Submission:

GeneDx
Classification: Uncertain significance. Last evaluated: 2022-01-05. Review status: criteria provided, single submitter. Criteria: GeneDx Variant Classification Process June 2021. Collection method: clinical testing. Allele origin: germline. Affected: yes.
Comment: Not observed at significant frequency in large population cohorts (gnomAD); In silico analysis supports that this variant does not alter splicing; Has not been previously published as pathogenic or benign to our knowledge

NM_001292063.2(OTOG):c.1813C>T (p.Leu605=)

Gene: OTOG (otogelin; plus strand). Cytogenetic location: 11p15.1.
Variant type: single nucleotide variant.
Coding change: c.1813C>T on transcript NM_001292063.2 (MANE Select); coding-DNA position 1813, C replaced by T.
Protein change: p.Leu605=; no amino-acid change (leucine 605 retained).
Molecular consequence: synonymous variant.
Genome position (GRCh38, 1-based): chr11:17,570,248, C>T. VCF-style: chr11-17570248-C-T. GRCh37 (hg19) VCF-style: chr11-17591795-C-T.
Other names: c.1849C>T, p.Leu617= (NM_001277269.2).
Identifiers: ClinVar variation 1695768 (VCV001695768.2), dbSNP rs2134022507, ClinGen allele CA473310536.